The following is an entry in ClinVar:

NM_020693.4(DSCAML1):c.4021C>A (p.Leu1341Ile)

Gene: DSCAML1 (DS cell adhesion molecule like 1; minus strand). Cytogenetic location: 11q23.3.
Variant type: single nucleotide variant.
Coding change: c.4021C>A on transcript NM_020693.4 (MANE Select); coding-DNA position 4021, C replaced by A.
Protein change: p.Leu1341Ile; replaces leucine 1341 with isoleucine.
Molecular consequence: missense variant.
Genome position (GRCh38, 1-based): chr11:117,439,389, G>T on the plus strand (C>A on the coding strand, the complement: DSCAML1 is on the minus strand). VCF-style: chr11-117439389-G-T. GRCh37 (hg19) VCF-style: chr11-117310105-G-T.
Other names: c.4201C>A (NM_020693.2); short protein forms L1341I.
Identifiers: ClinVar variation 2037348 (VCV002037348.5), dbSNP rs1290441755, ClinGen allele CA382761429.

ClinVar aggregate classification (germline): Uncertain significance. Review status: criteria provided, multiple submitters, no conflicts (2 of 4 stars). 2 submissions from 2 submitters: Uncertain significance (2). Last evaluated 2024-10-23.

Allele frequency attached by ClinVar (database versions not stated): gnomAD exomes below 0.00001; TOPMed below 0.00001.
gnomAD v4.1: 1 of 1,613,746 alleles (0.000062%); highest among the groups gnomAD compares: Non-Finnish European, 0.000085%; no homozygotes.

Submissions (2):

Labcorp Genetics (formerly Invitae), Labcorp
Classification: Uncertain significance. Last evaluated: 2024-10-23. Review status: criteria provided, single submitter. Criteria: Invitae Variant Classification Sherloc (09022015). Collection method: clinical testing. Allele origin: germline.
Comment: This sequence change replaces leucine, which is neutral and non-polar, with isoleucine, which is neutral and non-polar, at codon 1401 of the DSCAML1 protein (p.Leu1401Ile). This variant is not present in population databases (gnomAD no frequency). This variant has not been reported in the literature in individuals affected with DSCAML1-related conditions. ClinVar contains an entry for this variant (Variation ID: 2037348). An algorithm developed to predict the effect of missense changes on protein structure and function (PolyPhen-2) suggests that this variant is likely to be tolerated. In summary, the available evidence is currently insufficient to determine the role of this variant in disease. Therefore, it has been classified as a Variant of Uncertain Significance.

Ambry Genetics
Classification: Uncertain significance. Last evaluated: 2024-10-21. Review status: criteria provided, single submitter. Criteria: Ambry Variant Classification Scheme 2023. Collection method: clinical testing. Allele origin: germline.